The following is an entry in ClinVar:

NM_001291303.3(FAT4):c.3641T>A (p.Phe1214Tyr)

Gene: FAT4 (FAT atypical cadherin 4; plus strand). Cytogenetic location: 4q28.1.
Variant type: single nucleotide variant.
Coding change: c.3641T>A on transcript NM_001291303.3 (MANE Select); coding-DNA position 3641, T replaced by A.
Protein change: p.Phe1214Tyr; replaces phenylalanine 1214 with tyrosine.
Molecular consequence: missense variant.
Genome position (GRCh38, 1-based): chr4:125,320,052, T>A. VCF-style: chr4-125320052-T-A. GRCh37 (hg19) VCF-style: chr4-126241207-T-A.
Other names: c.3641T>A, p.Phe1214Tyr (NM_001291285.3, NM_024582.6); short protein forms F1214Y.
Identifiers: ClinVar variation 1467724 (VCV001467724.5), dbSNP rs372590258, ClinGen allele CA104866384.
Genomic context (GRCh38, chr4:125,320,052, plus strand): 5'-CCACTGTACATGTTTACATGAAGGATATAAATGATAATGCTCCCAAATTTTTAAAAGACT[T>A]TTACCAAGCTACAATATCAGAATCAGCAGCCAATCTGACACAAGTGTTAAGAGTATCTGC-3'
Protein context (NP_001278232.1, residues 1204-1224): NDNAPKFLKD[Phe1214Tyr]YQATISESAA

ClinVar aggregate classification (germline): Uncertain significance (1 of 4 stars; one submission).

Allele frequency attached by ClinVar (database versions not stated): gnomAD exomes below 0.00001 and 0.00001.
gnomAD v4.1: 11 of 1,613,792 alleles (0.00068%); highest among the groups gnomAD compares: Non-Finnish European, 0.00093%; no homozygotes.

Submission:

Labcorp Genetics (formerly Invitae), Labcorp
Classification: Uncertain significance. Last evaluated: 2022-03-28. Review status: criteria provided, single submitter. Criteria: Invitae Variant Classification Sherloc (09022015). Collection method: clinical testing. Allele origin: germline.
Comment: This sequence change replaces phenylalanine, which is neutral and non-polar, with tyrosine, which is neutral and polar, at codon 1214 of the FAT4 protein (p.Phe1214Tyr). This variant is present in population databases (no rsID available, gnomAD 0.0009%). This variant has not been reported in the literature in individuals affected with FAT4-related conditions. Advanced modeling of protein sequence and biophysical properties (such as structural, functional, and spatial information, amino acid conservation, physicochemical variation, residue mobility, and thermodynamic stability) performed at Invitae indicates that this missense variant is not expected to disrupt FAT4 protein function. In summary, the available evidence is currently insufficient to determine the role of this variant in disease. Therefore, it has been classified as a Variant of Uncertain Significance.